The following is an entry in ClinVar:

NM_153460.4(IL17RC):c.1915C>T (p.His639Tyr)

Gene: IL17RC (interleukin 17 receptor C; plus strand). Cytogenetic location: 3p25.3.
Variant type: single nucleotide variant.
Coding change: c.1915C>T on transcript NM_153460.4 (MANE Select); coding-DNA position 1915, C replaced by T.
Protein change: p.His639Tyr; replaces histidine 639 with tyrosine.
Molecular consequence: missense variant. On other transcripts: non-coding transcript variant (1).
Genome position (GRCh38, 1-based): chr3:9,933,345, C>T. VCF-style: chr3-9933345-C-T. GRCh37 (hg19) VCF-style: chr3-9975029-C-T.
Other names: c.1819C>T, p.His607Tyr (NM_001203265.2); c.1837C>T, p.His613Tyr (NM_001367278.1); c.1876C>T, p.His626Tyr (NM_001203263.2); c.1825C>T, p.His609Tyr (NM_001203264.2); c.1756C>T, p.His586Tyr (NM_001367279.1); c.1831C>T, p.His611Tyr (NM_001367280.1); c.1780C>T, p.His594Tyr (NM_001410711.1); c.1870C>T, p.His624Tyr (NM_032732.6); and 1 more; short protein forms H586Y, H594Y, H611Y, H626Y, H710Y, H607Y, H609Y, H613Y.
Identifiers: ClinVar variation 1931040 (VCV001931040.5), dbSNP rs372245716, ClinGen allele CA69998955.

ClinVar aggregate classification (germline): Uncertain significance (1 of 4 stars; one submission).

Conditions:
Candidiasis, familial, 9 (CANDF9). Identifiers: Orphanet 1334, MedGen C4225324, MONDO:0014642, OMIM 616445.

Allele frequency attached by ClinVar (database versions not stated): gnomAD 0.00002; TOPMed 0.00003; ESP Exome Variant Server 0.00008.
gnomAD v4.1: 3 of 1,610,652 alleles (0.00019%); highest among the groups gnomAD compares: African/African-American, 0.004%; no homozygotes.

Submission:

Labcorp Genetics (formerly Invitae), Labcorp
Classification: Uncertain significance for Candidiasis, familial, 9. Last evaluated: 2022-03-04. Review status: criteria provided, single submitter. Criteria: Invitae Variant Classification Sherloc (09022015). Collection method: clinical testing. Allele origin: germline.
Comment: The frequency data for this variant in the population databases is considered unreliable, as metrics indicate poor data quality at this position in the gnomAD database. This variant has not been reported in the literature in individuals affected with IL17RC-related conditions. Algorithms developed to predict the effect of missense changes on protein structure and function (SIFT, PolyPhen-2, Align-GVGD) all suggest that this variant is likely to be tolerated. In summary, the available evidence is currently insufficient to determine the role of this variant in disease. Therefore, it has been classified as a Variant of Uncertain Significance. This sequence change replaces histidine, which is basic and polar, with tyrosine, which is neutral and polar, at codon 710 of the IL17RC protein (p.His710Tyr).